The following is an entry in ClinVar:

NM_005529.7(HSPG2):c.8592A>G (p.Gly2864=)

Gene: HSPG2 (heparan sulfate proteoglycan 2; minus strand). Cytogenetic location: 1p36.12.
Variant type: single nucleotide variant.
Coding change: c.8592A>G on transcript NM_005529.7 (MANE Select); coding-DNA position 8592, A replaced by G.
Protein change: p.Gly2864=; no amino-acid change (glycine 2864 retained).
Molecular consequence: synonymous variant.
Genome position (GRCh38, 1-based): chr1:21,844,172, T>C on the plus strand (A>G on the coding strand, the complement: HSPG2 is on the minus strand). VCF-style: chr1-21844172-T-C. GRCh37 (hg19) VCF-style: chr1-22170665-T-C.
Other names: c.8595A>G, p.Gly2865= (NM_001291860.2).
Identifiers: ClinVar variation 5041399 (VCV005041399.1).

ClinVar aggregate classification (germline): Likely benign (1 of 4 stars; one submission).

Submission:

CeGaT Center for Human Genetics Tuebingen
Classification: Likely benign. Last evaluated: 2026-10-01. Review status: criteria provided, single submitter. Criteria: CeGaT Center For Human Genetics Tuebingen Variant Classification Criteria Version 2. Collection method: clinical testing. Allele origin: germline. Affected: yes. Observed: 1 variant allele.
Comment: HSPG2: PM2:Supporting, BP4, BP7